The following is an entry in ClinVar:

ClinVar aggregate classification (germline): Uncertain significance. Review status: criteria provided, multiple submitters, no conflicts (2 of 4 stars). 5 submissions from 5 submitters: Uncertain significance (4). 1 of the submissions does not count toward it. Last evaluated 2024-09-10.

Conditions:
GROWTH HORMONE DEFICIENCY WITH PITUITARY ANOMALIES. Identifiers: MedGen C2750027, OMIM 182230.
Septo-optic dysplasia sequence (SOD). Also called: Septo-optic dysplasia; DE MORSIER SYNDROME. Identifiers: Orphanet 3157, MedGen C0338503, MONDO:0008428, OMIM 182230, HP:0100842.
PITUITARY HORMONE DEFICIENCY, COMBINED, 5 (CPHD5). Identifiers: MedGen CN042968, OMIM 182230.

Allele frequency attached by ClinVar (database versions not stated): gnomAD 0.00001; TOPMed 0.00002; ExAC 0.00003; gnomAD exomes 0.00003.
gnomAD v4.1: 48 of 1,613,854 alleles (0.003%); highest among the groups gnomAD compares: Middle Eastern, 0.05%; no homozygotes.

Submissions (5):

Women's Health and Genetics/Laboratory Corporation of America, LabCorp
Classification: Uncertain significance. Last evaluated: 2024-09-10. Review status: criteria provided, single submitter. Criteria: LabCorp Variant Classification Summary - May 2015. Collection method: clinical testing. Allele origin: germline.
Comment: Variant summary: HESX1 c.18G>C (p.Gln6His) results in a non-conservative amino acid change in the encoded protein sequence. Three of five in-silico tools predict a benign effect of the variant on protein function. The variant allele was found at a frequency of 2.8e-05 in 251488 control chromosomes (gnomAD). c.18G>C has been reported in the literature in individuals affected with HESX1-Related Disorders (Thomas_2011, Corneli_2008, ElKholy_2019, Alesi_2021, Federici_2022). These data indicate that the variant may be associated with disease. To our knowledge, no experimental evidence demonstrating an impact on protein function has been reported. The following publications have been ascertained in the context of this evaluation (PMID: 33451138, 18852528, 31022718, 36531499, 11136712). ClinVar contains an entry for this variant (Variation ID: 7700). Based on the evidence outlined above, the variant was classified as VUS-possibly pathogenic.

Labcorp Genetics (formerly Invitae), Labcorp
Classification: Uncertain significance for GROWTH HORMONE DEFICIENCY WITH PITUITARY ANOMALIES; Septo-optic dysplasia sequence. Last evaluated: 2023-05-31. Review status: criteria provided, single submitter. Criteria: Invitae Variant Classification Sherloc (09022015). Collection method: clinical testing. Allele origin: germline.
Comment: This variant is present in population databases (rs121909173, gnomAD 0.004%). An algorithm developed to predict the effect of missense changes on protein structure and function (PolyPhen-2) suggests that this variant is likely to be tolerated. ClinVar contains an entry for this variant (Variation ID: 7700). This missense change has been observed in individual(s) with HESX1-related conditions (PMID: 11136712, 18852528, 31022718, 33451138). This sequence change replaces glutamine, which is neutral and polar, with histidine, which is basic and polar, at codon 6 of the HESX1 protein (p.Gln6His). In summary, the available evidence is currently insufficient to determine the role of this variant in disease. Therefore, it has been classified as a Variant of Uncertain Significance.

GeneDx
Classification: Uncertain significance. Last evaluated: 2019-10-11. Review status: criteria provided, single submitter. Criteria: GeneDx Variant Classification Process June 2021. Collection method: clinical testing. Allele origin: germline. Affected: yes.
Comment: Not observed at a significant frequency in large population cohorts (Lek et al., 2016); In silico analysis, which includes protein predictors and evolutionary conservation, supports that this variant does not alter protein structure/function; This variant is associated with the following publications: (PMID: 17148560, 11136712, 27343026, 31022718, 12424431, 23465708, 21325470, 18852528, 14561704, 26147833, 31589614)

Breakthrough Genomics
Classification: Uncertain significance. Review status: criteria provided, single submitter. Criteria: ACMG Guidelines, 2015. Collection method: not provided. Allele origin: germline. Inheritance: Autosomal recessive inheritance. Affected: yes.

OMIM
Classification: Pathogenic for PITUITARY HORMONE DEFICIENCY, COMBINED, 5. Last evaluated: 2001-01-01. Review status: no assertion criteria provided. Collection method: literature only. Allele origin: germline. Not counted in ClinVar's aggregate classification.

Literature cited by the submitters: PubMed 36531499 (cited by Women's Health and Genetics/Laboratory Corporation of America, LabCorp); PubMed 33451138 (cited by Women's Health and Genetics/Laboratory Corporation of America, LabCorp and Labcorp Genetics (formerly Invitae), Labcorp); PubMed 18852528 (cited by Women's Health and Genetics/Laboratory Corporation of America, LabCorp and Labcorp Genetics (formerly Invitae), Labcorp); PubMed 31022718 (cited by Women's Health and Genetics/Laboratory Corporation of America, LabCorp and Labcorp Genetics (formerly Invitae), Labcorp); PubMed 11136712 (cited by 3 submitters).

NM_003865.3(HESX1):c.18G>C (p.Gln6His)

Gene: HESX1 (HESX homeobox 1; minus strand). Cytogenetic location: 3p14.3.
Variant type: single nucleotide variant.
Coding change: c.18G>C on transcript NM_003865.3 (MANE Select); coding-DNA position 18, G replaced by C.
Protein change: p.Gln6His; replaces glutamine 6 with histidine.
Molecular consequence: missense variant.
Genome position (GRCh38, 1-based): chr3:57,199,901, C>G on the plus strand (G>C on the coding strand, the complement: HESX1 is on the minus strand). VCF-style: chr3-57199901-C-G. GRCh37 (hg19) VCF-style: chr3-57233929-C-G.
Other names: short protein forms Q6H.
Identifiers: ClinVar variation 7700 (VCV000007700.10), dbSNP rs121909173, ClinGen allele CA119006.